The following is an entry in ClinVar:

NM_001903.5(CTNNA1):c.2298T>C (p.His766=)

Gene: CTNNA1 (catenin alpha 1; plus strand). Cytogenetic location: 5q31.2.
Variant type: single nucleotide variant.
Coding change: c.2298T>C on transcript NM_001903.5 (MANE Select); coding-DNA position 2298, T replaced by C.
Protein change: p.His766=; no amino-acid change (histidine 766 retained).
Molecular consequence: synonymous variant.
Genome position (GRCh38, 1-based): chr5:138,930,935, T>C. VCF-style: chr5-138930935-T-C. GRCh37 (hg19) VCF-style: chr5-138266624-T-C.
Other names: c.2298T>C, p.His766= (NM_001290307.3, NM_001323982.2, NM_001323983.1 and 2 more transcripts); c.1989T>C, p.His663= (NM_001290309.3); c.1929T>C, p.His643= (NM_001290310.3); c.1188T>C, p.His396= (NM_001290312.1, NM_001323987.1, NM_001323988.1 and 17 more transcripts); c.2205T>C, p.His735= (NM_001323986.2); c.849T>C, p.His283= (NM_001324006.1, NM_001324007.1, NM_001324008.1 and 2 more transcripts); c.1095T>C, p.His365= (NM_001324011.1); c.945T>C, p.His315= (NM_001324012.1, NM_001324013.1).
Identifiers: ClinVar variation 696507 (VCV000696507.24), dbSNP rs764185931, ClinGen allele CA3432147.

ClinVar aggregate classification (germline): Benign/Likely benign. Review status: criteria provided, multiple submitters, no conflicts (2 of 4 stars). 7 submissions from 7 submitters: Benign (1); Likely benign (6). Last evaluated 2026-03-01.

Conditions:
Hereditary nonpolyposis colon cancer (HNPCC). Also called: Hereditary Nonpolyposis Colorectal Cancer Syndrome; Hereditary nonpolyposis colorectal cancer; Familial nonpolyposis colon cancer. Identifiers: Orphanet 443909, MedGen C1333990, MONDO:0018630. Disease mechanism: loss of function.
Hereditary diffuse gastric adenocarcinoma (HDGC). Also called: DIFFUSE GASTRIC AND LOBULAR BREAST CANCER SYNDROME. Identifiers: Orphanet 26106, MedGen C1708349, MONDO:0007648, OMIM 137215.
Hereditary cancer-predisposing syndrome. Also called: Neoplastic Syndromes, Hereditary; Tumor predisposition; Hereditary neoplastic syndrome; Hereditary Cancer Syndrome. Identifiers: Orphanet 140162, MedGen C0027672, MeSH D009386, MONDO:0015356.

Allele frequency attached by ClinVar (database versions not stated): gnomAD 0.00013; gnomAD exomes 0.00021 and 0.00109; TOPMed 0.00059; ExAC 0.00079.
gnomAD v4.1: 324 of 1,608,756 alleles (0.02%); highest among the groups gnomAD compares: Admixed American, 0.52%; 2 homozygotes.

Submissions (9):

CeGaT Center for Human Genetics Tuebingen
Classification: Likely benign. Last evaluated: 2026-03-01. Review status: criteria provided, single submitter. Criteria: CeGaT Center For Human Genetics Tuebingen Variant Classification Criteria Version 2. Collection method: clinical testing. Allele origin: germline. Affected: yes. Observed: 1 variant allele.
Comment: CTNNA1: BP4, BP7

Labcorp Genetics (formerly Invitae), Labcorp
Classification: Benign. Last evaluated: 2026-01-31. Review status: criteria provided, single submitter. Criteria: Invitae Variant Classification Sherloc (09022015). Collection method: clinical testing. Allele origin: germline.

Myriad Genetics, Inc.
Classification: Likely benign for Hereditary diffuse gastric adenocarcinoma. Last evaluated: 2024-10-15. Review status: criteria provided, single submitter. Criteria: Myriad Autosomal Dominant, Autosomal Recessive and X-Linked Classification Criteria (2023). Collection method: clinical testing. Allele origin: unknown.
Comment: This variant is considered likely benign. Homozygosity has been confirmed in one or more individuals. As homozygosity for pathogenic variants in this gene is generally assumed to result in embryonic lethality, this variant is unlikely to be pathogenic.

Blueprint Genetics
Classification: Likely benign. Last evaluated: 2024-08-20. Review status: criteria provided, single submitter. Criteria: ACMG Guidelines, 2015. Collection method: clinical testing. Allele origin: germline.

Department of Pathology and Laboratory Medicine, Sinai Health System
Classification: Likely benign for hereditary nonpolyposis colon cancer. Last evaluated: 2021-08-23. Review status: criteria provided, single submitter. Criteria: ACMG Guidelines, 2015. Collection method: clinical testing. Allele origin: germline. Affected: yes.

Ambry Genetics
Classification: Likely benign for Hereditary cancer-predisposing syndrome. Last evaluated: 2019-03-14. Review status: criteria provided, single submitter. Criteria: Ambry Variant Classification Scheme 2023. Collection method: clinical testing. Allele origin: germline.

Breakthrough Genomics
Classification: Likely benign. Review status: criteria provided, single submitter. Criteria: ACMG Guidelines, 2015. Collection method: not provided. Allele origin: germline. Inheritance: Autosomal dominant inheritance. Affected: yes.

Dr. Peter K. Rogan Lab, Western University
No classification provided (evidence only). Condition: Thyroid cancer, nonmedullary, 1. Review status: no classification provided. Collection method: in vitro. Allele origin: not applicable. Functional consequence: retained intron. Not counted in ClinVar's aggregate classification.

Dr. Peter K. Rogan Lab, Western University
No classification provided (evidence only). Condition: Cholangiocarcinoma. Review status: no classification provided. Collection method: in vitro. Allele origin: not applicable. Functional consequence: retained intron. Not counted in ClinVar's aggregate classification.